The following is an entry in ClinVar:

NM_022168.4(IFIH1):c.2539A>C (p.Asn847His)

Gene: IFIH1 (interferon induced with helicase C domain 1; minus strand). Cytogenetic location: 2q24.2.
Variant type: single nucleotide variant.
Coding change: c.2539A>C on transcript NM_022168.4 (MANE Select); coding-DNA position 2539, A replaced by C.
Protein change: p.Asn847His; replaces asparagine 847 with histidine.
Molecular consequence: missense variant.
Genome position (GRCh38, 1-based): chr2:162,272,303, T>G on the plus strand (A>C on the coding strand, the complement: IFIH1 is on the minus strand). VCF-style: chr2-162272303-T-G. GRCh37 (hg19) VCF-style: chr2-163128813-T-G.
Other names: short protein forms N847H.
Identifiers: ClinVar variation 3753620 (VCV003753620.2).

ClinVar aggregate classification (germline): Uncertain significance (1 of 4 stars; one submission).

Conditions:
Singleton-Merten syndrome 1 (SGMRT1). Also called: Syndrome of widened medullary cavities of the metacarpals and phalanges, aortic calcification and abnormal dentition; Widened medullary cavities of bone, aortic calcification, abnormal dentition, and muscular weakness. Identifiers: Orphanet 85191, MedGen C4225427, MONDO:0024535, OMIM 182250.
Aicardi-Goutieres syndrome 7 (AGS7). Identifiers: Orphanet 51, MedGen C3888244, MONDO:0014367, OMIM 615846.

Submission:

Labcorp Genetics (formerly Invitae), Labcorp
Classification: Uncertain significance for Aicardi-Goutieres syndrome 7; Singleton-Merten syndrome 1. Last evaluated: 2025-08-04. Review status: criteria provided, single submitter. Criteria: Invitae Variant Classification Sherloc (09022015). Collection method: clinical testing. Allele origin: germline.
Comment: This sequence change replaces asparagine, which is neutral and polar, with histidine, which is basic and polar, at codon 847 of the IFIH1 protein (p.Asn847His). This variant is not present in population databases (gnomAD no frequency). This variant has not been reported in the literature in individuals affected with IFIH1-related conditions. ClinVar contains an entry for this variant (Variation ID: 3753620). Invitae Evidence Modeling of protein sequence and biophysical properties (such as structural, functional, and spatial information, amino acid conservation, physicochemical variation, residue mobility, and thermodynamic stability) has been performed for this missense variant. However, the output from this modeling did not meet the statistical confidence thresholds required to predict the impact of this variant on IFIH1 protein function. In summary, the available evidence is currently insufficient to determine the role of this variant in disease. Therefore, it has been classified as a Variant of Uncertain Significance.